The following is an entry in ClinVar:

NM_006739.4(MCM5):c.671T>C (p.Phe224Ser)

Gene: MCM5 (minichromosome maintenance complex component 5; plus strand). Cytogenetic location: 22q12.3.
Variant type: single nucleotide variant.
Coding change: c.671T>C on transcript NM_006739.4 (MANE Select); coding-DNA position 671, T replaced by C.
Protein change: p.Phe224Ser; replaces phenylalanine 224 with serine.
Molecular consequence: missense variant.
Genome position (GRCh38, 1-based): chr22:35,408,482, T>C. VCF-style: chr22-35408482-T-C. GRCh37 (hg19) VCF-style: chr22-35804475-T-C.
Other names: short protein forms F224S.
Identifiers: ClinVar variation 4760990 (VCV004760990.1).

ClinVar aggregate classification (germline): Uncertain significance (1 of 4 stars; one submission).

gnomAD v4.1: 3 of 1,614,242 alleles (0.00019%); highest among the groups gnomAD compares: East Asian, 0.0045%; no homozygotes.

Submission:

Labcorp Genetics (formerly Invitae), Labcorp
Classification: Uncertain significance. Last evaluated: 2025-10-24. Review status: criteria provided, single submitter. Criteria: Invitae Variant Classification Sherloc (09022015). Collection method: clinical testing. Allele origin: germline.
Comment: This sequence change replaces phenylalanine, which is neutral and non-polar, with serine, which is neutral and polar, at codon 224 of the MCM5 protein (p.Phe224Ser). This variant is present in population databases (no rsID available, gnomAD 0.006%). This variant has not been reported in the literature in individuals affected with MCM5-related conditions. Invitae Evidence Modeling of protein sequence and biophysical properties (such as structural, functional, and spatial information, amino acid conservation, physicochemical variation, residue mobility, and thermodynamic stability) indicates that this missense variant is not expected to disrupt MCM5 protein function with a negative predictive value of 80%. In summary, the available evidence is currently insufficient to determine the role of this variant in disease. Therefore, it has been classified as a Variant of Uncertain Significance.